The following is an entry in ClinVar:

ClinVar aggregate classification (germline): Uncertain significance. Review status: criteria provided, multiple submitters, no conflicts (2 of 4 stars). 2 submissions from 2 submitters: Uncertain significance (2). Last evaluated 2025-04-28.

Conditions:
Hereditary cancer-predisposing syndrome. Also called: Neoplastic Syndromes, Hereditary; Hereditary Cancer Syndrome; Tumor predisposition; Hereditary neoplastic syndrome. Identifiers: Orphanet 140162, MedGen C0027672, MeSH D009386, MONDO:0015356.

Submissions (2):

Labcorp Genetics (formerly Invitae), Labcorp
Classification: Uncertain significance. Last evaluated: 2025-04-28. Review status: criteria provided, single submitter. Criteria: Invitae Variant Classification Sherloc (09022015). Collection method: clinical testing. Allele origin: germline.
Comment: This sequence change replaces valine, which is neutral and non-polar, with methionine, which is neutral and non-polar, at codon 1158 of the POLE protein (p.Val1158Met). This variant is not present in population databases (gnomAD no frequency). This variant has not been reported in the literature in individuals affected with POLE-related conditions. ClinVar contains an entry for this variant (Variation ID: 2447925). Invitae Evidence Modeling of protein sequence and biophysical properties (such as structural, functional, and spatial information, amino acid conservation, physicochemical variation, residue mobility, and thermodynamic stability) indicates that this missense variant is expected to disrupt POLE protein function with a positive predictive value of 80%. In summary, the available evidence is currently insufficient to determine the role of this variant in disease. Therefore, it has been classified as a Variant of Uncertain Significance.

Ambry Genetics
Classification: Uncertain significance for Hereditary cancer-predisposing syndrome. Last evaluated: 2022-12-03. Review status: criteria provided, single submitter. Criteria: Ambry Variant Classification Scheme 2023. Collection method: clinical testing. Allele origin: germline.
Comment: The p.V1158M variant (also known as c.3472G>A), located in coding exon 29 of the POLE gene, results from a G to A substitution at nucleotide position 3472. The valine at codon 1158 is replaced by methionine, an amino acid with highly similar properties. This amino acid position is conserved. In addition, the in silico prediction for this alteration is inconclusive. Since supporting evidence is limited at this time, the clinical significance of this alteration remains unclear.

NM_006231.4(POLE):c.3472G>A (p.Val1158Met)

Gene: POLE (DNA polymerase epsilon, catalytic subunit; minus strand). Cytogenetic location: 12q24.33.
Variant type: single nucleotide variant.
Coding change: c.3472G>A on transcript NM_006231.4 (MANE Select); coding-DNA position 3472, G replaced by A.
Protein change: p.Val1158Met; replaces valine 1158 with methionine.
Molecular consequence: missense variant.
Genome position (GRCh38, 1-based): chr12:132,657,246, C>T on the plus strand (G>A on the coding strand, the complement: POLE is on the minus strand). VCF-style: chr12-132657246-C-T. GRCh37 (hg19) VCF-style: chr12-133233832-C-T.
Other names: short protein forms V1158M.
Identifiers: ClinVar variation 2447925 (VCV002447925.5), dbSNP rs2138657607, ClinGen allele CA387388788.